The following is an entry in ClinVar:

NM_006565.4(CTCF):c.952G>C (p.Gly318Arg)

Gene: CTCF (CCCTC-binding factor; plus strand). Cytogenetic location: 16q22.1.
Variant type: single nucleotide variant.
Coding change: c.952G>C on transcript NM_006565.4 (MANE Select); coding-DNA position 952, G replaced by C.
Protein change: p.Gly318Arg; replaces glycine 318 with arginine.
Molecular consequence: missense variant. On other transcripts: intron variant (1).
Genome position (GRCh38, 1-based): chr16:67,612,121, G>C. VCF-style: chr16-67612121-G-C. GRCh37 (hg19) VCF-style: chr16-67646024-G-C.
Other names: c.952G>C, p.Gly318Arg (NM_001363916.2); c.-32-4624G>C (NM_001191022.2); short protein forms G318R.
Identifiers: ClinVar variation 3899342 (VCV003899342.2).

ClinVar aggregate classification (germline): Uncertain significance (1 of 4 stars; one submission).

Conditions:
CTCF-related neurodevelopmental disorder. Also called: Intellectual disability-feeding difficulties-developmental delay-microcephaly syndrome; INTELLECTUAL DEVELOPMENTAL DISORDER, AUTOSOMAL DOMINANT 21. Identifiers: Orphanet 363611, MedGen C3809686, MONDO:0014213, OMIM 615502.

Submission:

Juno Genomics, Hangzhou Juno Genomics, Inc
Classification: Uncertain significance for CTCF-related neurodevelopmental disorder. Review status: criteria provided, single submitter. Criteria: ACMG Guidelines, 2015. Collection method: clinical testing. Allele origin: germline. Affected: yes.
Comment: Absent from controls (or at extremely low frequency if recessive) in Genome Aggregation Database, Exome Sequencing Project, 1000 Genomes Project, or Exome Aggregation Consortium.;Multiple lines of computational evidence support a deleterious effect on the gene or gene product (conservation, evolutionary, splicing impact, etc).;Missense variant in a gene that has a low rate of benign missense variation and where missense variants are a common mechanism of disease.